The following is an entry in ClinVar:

ClinVar aggregate classification (germline): Benign (1 of 4 stars; one submission).

Conditions:
Agenesis of the corpus callosum with peripheral neuropathy (ACCPN). Also called: CHARLEVOIX DISEASE; POLYNEUROPATHY, SENSORIMOTOR, WITH OR WITHOUT AGENESIS OF THE CORPUS CALLOSUM; HMSN/ACC; Hereditary Motor and Sensory Neuropathy with Agenesis of the Corpus Callosum. Identifiers: Orphanet 1496, MedGen C0795950, MONDO:0000902, OMIM 218000. Disease mechanism: loss of function.

Allele frequency attached by ClinVar (database versions not stated): gnomAD 0.10640 and 0.11164; TOPMed 0.11713; 1000 Genomes Project 30x 0.17036; 1000 Genomes Project 0.17352.

Submission:

Illumina Laboratory Services, Illumina
Classification: Benign for Agenesis of the corpus callosum with peripheral neuropathy. Last evaluated: 2018-01-13. Review status: criteria provided, single submitter. Criteria: ICSL Variant Classification Criteria 13 December 2019. Collection method: clinical testing. Allele origin: germline.
Comment: This variant was observed in the ICSL laboratory as part of a predisposition screen in an ostensibly healthy population. It had not been previously curated by ICSL or reported in the Human Gene Mutation Database (HGMD: prior to June 1st, 2018), and was therefore a candidate for classification through an automated scoring system. Utilizing variant allele frequency, disease prevalence and penetrance estimates, and inheritance mode, an automated score was calculated to assess if this variant is too frequent to cause the disease. Based on the score and internal cut-off values, a variant classified as benign is not then subjected to further curation. The score for this variant resulted in a classification of benign for this disease.

NM_001365088.1(SLC12A6):c.*1846C>G

Gene: SLC12A6 (solute carrier family 12 member 6; minus strand). Cytogenetic location: 15q14.
Variant type: single nucleotide variant.
Coding change: c.*1846C>G on transcript NM_001365088.1 (MANE Select); 1846 bases downstream of the stop codon, C replaced by G.
Molecular consequence: 3 prime UTR variant.
Genome position (GRCh38, 1-based): chr15:34,232,035, G>C on the plus strand (C>G on the coding strand, the complement: SLC12A6 is on the minus strand). VCF-style: chr15-34232035-G-C. GRCh37 (hg19) VCF-style: chr15-34524236-G-C.
Other names: c.*1846C>G (NM_001042494.2, NM_001042495.2, NM_001042496.2 and 3 more transcripts).
Identifiers: ClinVar variation 315582 (VCV000315582.5), dbSNP rs6495639, ClinGen allele CA10646771.